The following is an entry in ClinVar:

ClinVar aggregate classification (germline): Pathogenic. Review status: criteria provided, multiple submitters, no conflicts (2 of 4 stars). 3 submissions from 3 submitters: Pathogenic (3). Last evaluated 2024-10-08.

Conditions:
Hereditary cancer-predisposing syndrome. Also called: Tumor predisposition; Hereditary neoplastic syndrome; Neoplastic Syndromes, Hereditary; Hereditary Cancer Syndrome. Identifiers: Orphanet 140162, MedGen C0027672, MeSH D009386, MONDO:0015356.
Familial cancer of breast. Also called: Hereditary breast cancer; hereditary breast carcinoma; BREAST CANCER, FAMILIAL. Identifiers: Orphanet 227535, MedGen C0346153, MONDO:0016419, OMIM 114480. Disease mechanism: loss of function.
Fanconi anemia complementation group J. Also called: BRIP1-Related Fanconi Anemia. Identifiers: Orphanet 84, MedGen C1836860, MONDO:0012187, OMIM 609054.
Familial ovarian cancer. Identifiers: MedGen C5679802, MONDO:0016248.

Submissions (3):

Victorian Clinical Genetics Services, Murdoch Childrens Research Institute
Classification: Pathogenic for Familial ovarian cancer. Last evaluated: 2024-10-08. Review status: criteria provided, single submitter. Criteria: ACMG Guidelines, 2015. Collection method: clinical testing. Allele origin: germline. Inheritance: Autosomal dominant inheritance.
Comment: Based on the classification scheme VCGS_Germline_v1.3.4, this variant is classified as Pathogenic. Following criteria are met: 0102 - Loss of function is a known mechanism of disease in this gene and is associated with complementation group J Fanconi anaemia (MIM#609054), susceptibility to early-onset breast cancer (MIM#114480) and susceptibility to familial ovarian cancer (MONDO: 0016248), BRIP1-related (National Comprehensive Cancer Network guidelines). (I) 0108 - This gene is associated with both recessive and dominant disease. Biallelic pathogenic variants are associated with complementation group J Fanconi anaemia, while monoallelic pathogenic variants are associated with increased susceptibility to cancer. (I) 0201 - Variant is predicted to cause nonsense-mediated decay (NMD) and loss of protein (premature termination codon is located at least 54 nucleotides upstream of the final exon-exon junction). (SP) 0251 - This variant is heterozygous. (I) 0301 - Variant is absent from gnomAD (both v2 and v3). (SP) 0701 - Other NMD-predicted variants comparable to the one identified in this case have very strong previous evidence for pathogenicity. Many NMD-predicted variants have previously been reported as pathogenic (DECIPHER). (SP) 0803 - This variant has limited previous evidence of pathogenicity in unrelated individuals. This variant has been classified as pathogenic by clinical laboratories in ClinVar. (SP) 0905 - No published segregation evidence has been identified for this variant. (I) 1007 - No published functional evidence has been identified for this variant. (I) Legend: (SP) - Supporting pathogenic, (I) - Information, (SB) - Supporting benign

Ambry Genetics
Classification: Pathogenic for Hereditary cancer-predisposing syndrome. Last evaluated: 2023-09-05. Review status: criteria provided, single submitter. Criteria: Ambry Variant Classification Scheme 2023. Collection method: clinical testing. Allele origin: germline.
Comment: The p.R171* pathogenic mutation (also known as c.511A>T), located in coding exon 5 of the BRIP1 gene, results from an A to T substitution at nucleotide position 511. This changes the amino acid from an arginine to a stop codon within coding exon 5. This variant is considered to be rare based on population cohorts in the Genome Aggregation Database (gnomAD). This alteration is expected to result in loss of function by premature protein truncation or nonsense-mediated mRNA decay. As such, this alteration is interpreted as a disease-causing mutation.

Labcorp Genetics (formerly Invitae), Labcorp
Classification: Pathogenic for Familial cancer of breast; Fanconi anemia complementation group J. Last evaluated: 2022-10-04. Review status: criteria provided, single submitter. Criteria: Invitae Variant Classification Sherloc (09022015). Collection method: clinical testing. Allele origin: germline.
Comment: This sequence change creates a premature translational stop signal (p.Arg171*) in the BRIP1 gene. It is expected to result in an absent or disrupted protein product. Loss-of-function variants in BRIP1 are known to be pathogenic (PMID: 16116423, 17033622, 21964575). This variant is not present in population databases (gnomAD no frequency). This variant has not been reported in the literature in individuals affected with BRIP1-related conditions. For these reasons, this variant has been classified as Pathogenic.

Literature cited by the submitters: PubMed 16116423 (cited by Labcorp Genetics (formerly Invitae), Labcorp); PubMed 17033622 (cited by Labcorp Genetics (formerly Invitae), Labcorp); PubMed 21964575 (cited by Labcorp Genetics (formerly Invitae), Labcorp).

NM_032043.3(BRIP1):c.511A>T (p.Arg171Ter)

Gene: BRIP1 (BRCA1 interacting DNA helicase 1; minus strand). Cytogenetic location: 17q23.2.
Variant type: single nucleotide variant.
Coding change: c.511A>T on transcript NM_032043.3 (MANE Select); coding-DNA position 511, A replaced by T.
Protein change: p.Arg171Ter; replaces arginine 171 with a stop codon.
Molecular consequence: nonsense.
Genome position (GRCh38, 1-based): chr17:61,847,217, T>A on the plus strand (A>T on the coding strand, the complement: BRIP1 is on the minus strand). VCF-style: chr17-61847217-T-A. GRCh37 (hg19) VCF-style: chr17-59924578-T-A.
Other names: short protein forms R171*.
Identifiers: ClinVar variation 2033974 (VCV002033974.7), dbSNP rs2545407876, ClinGen allele CA400483454.
Genomic context (GRCh38, chr17:61,847,217, plus strand): 5'-TTCCTGAATCAACTTTTGCATCCAAATTGTGTACTTCTGTTCCAAAGCAATGACGTTTTC[T>A]AATCTGTAAACACAGAACCAAAATGAAGTTTAAGGTGAACTAGAAGTTTAACTGGCTAGT-3'